The following is an entry in ClinVar:

NM_000321.3(RB1):c.1755C>T (p.His585=)

Gene: RB1 (RB transcriptional corepressor 1; plus strand). Cytogenetic location: 13q14.2.
Variant type: single nucleotide variant.
Coding change: c.1755C>T on transcript NM_000321.3 (MANE Select); coding-DNA position 1755, C replaced by T.
Protein change: p.His585=; no amino-acid change (histidine 585 retained).
Molecular consequence: synonymous variant.
Genome position (GRCh38, 1-based): chr13:48,453,052, C>T. VCF-style: chr13-48453052-C-T. GRCh37 (hg19) VCF-style: chr13-49027188-C-T.
Identifiers: ClinVar variation 820022 (VCV000820022.17), dbSNP rs750305249, ClinGen allele CA032469.
Genomic context (GRCh38, chr13:48,453,052, plus strand): 5'-GGATTCACCTTTATTTGATCTTATTAAACAATCAAAGGACCGAGAAGGACCAACTGATCA[C>T]CTTGAATCTGCTTGTCCTCTTAATCTTCCTCTCCAGAATAATCACACTGCAGCAGATATG-3'
Protein context (NP_000312.2, residues 575-595): QSKDREGPTD[His585=]LESACPLNLP

ClinVar aggregate classification (germline): Likely benign. Review status: criteria provided, multiple submitters, no conflicts (2 of 4 stars). 5 submissions from 5 submitters: Likely benign (5). Last evaluated 2026-04-01.

Conditions:
Hereditary cancer-predisposing syndrome. Also called: Tumor predisposition; Hereditary neoplastic syndrome; Neoplastic Syndromes, Hereditary; Hereditary Cancer Syndrome. Identifiers: Orphanet 140162, MedGen C0027672, MeSH D009386, MONDO:0015356.
Retinoblastoma (RB1). Also called: RETINOBLASTOMA, SOMATIC. Identifiers: Orphanet 790, MedGen C0035335, MeSH D012175, MONDO:0008380, OMIM 180200, HP:0009919. Disease mechanism: loss of function. Inheritance: Both sporadic and heritable forms are tested..

Allele frequency attached by ClinVar (database versions not stated): ExAC 0.00001; gnomAD exomes 0.00001.
gnomAD v4.1: 8 of 1,613,262 alleles (0.0005%); highest among the groups gnomAD compares: Non-Finnish European, 0.00068%; no homozygotes.

Submissions (5):

CeGaT Center for Human Genetics Tuebingen
Classification: Likely benign. Last evaluated: 2026-04-01. Review status: criteria provided, single submitter. Criteria: CeGaT Center For Human Genetics Tuebingen Variant Classification Criteria Version 2. Collection method: clinical testing. Allele origin: germline. Affected: yes. Observed: 1 variant allele.
Comment: RB1: BP4, BP7

Color Diagnostics, LLC DBA Color Health
Classification: Likely benign for Retinoblastoma. Last evaluated: 2025-06-17. Review status: criteria provided, single submitter. Criteria: ACMG Guidelines, 2015. Collection method: clinical testing. Allele origin: germline.

Labcorp Genetics (formerly Invitae), Labcorp
Classification: Likely benign for Retinoblastoma. Last evaluated: 2025-06-06. Review status: criteria provided, single submitter. Criteria: Invitae Variant Classification Sherloc (09022015). Collection method: clinical testing. Allele origin: germline.

Blueprint Genetics
Classification: Likely benign. Last evaluated: 2023-08-11. Review status: criteria provided, single submitter. Criteria: ACMG Guidelines, 2015. Collection method: clinical testing. Allele origin: germline.

Ambry Genetics
Classification: Likely benign for Hereditary cancer-predisposing syndrome. Last evaluated: 2019-05-24. Review status: criteria provided, single submitter. Criteria: Ambry Variant Classification Scheme 2023. Collection method: clinical testing. Allele origin: germline.